The following is an entry in ClinVar:

NM_058216.3(RAD51C):c.773G>C (p.Arg258Pro)

Gene: RAD51C (RAD51 paralog C; plus strand). Cytogenetic location: 17q22.
Variant type: single nucleotide variant.
Coding change: c.773G>C on transcript NM_058216.3 (MANE Select); coding-DNA position 773, G replaced by C.
Protein change: p.Arg258Pro; replaces arginine 258 with proline.
Molecular consequence: missense variant. On other transcripts: non-coding transcript variant (1).
Genome position (GRCh38, 1-based): chr17:58,709,926, G>C. VCF-style: chr17-58709926-G-C. GRCh37 (hg19) VCF-style: chr17-56787287-G-C.
Other names: short protein forms R258P.
Identifiers: ClinVar variation 645806 (VCV000645806.11), dbSNP rs267606997, ClinGen allele CA400353834.

ClinVar aggregate classification (germline): Uncertain significance. Review status: criteria provided, multiple submitters, no conflicts (2 of 4 stars). 2 submissions from 2 submitters: Uncertain significance (2). Last evaluated 2021-07-27.

Conditions:
Hereditary cancer-predisposing syndrome. Also called: Neoplastic Syndromes, Hereditary; Hereditary Cancer Syndrome; Hereditary neoplastic syndrome; Tumor predisposition. Identifiers: Orphanet 140162, MedGen C0027672, MeSH D009386, MONDO:0015356.
Fanconi anemia complementation group O. Also called: RAD51C-Related Fanconi Anemia. Identifiers: Orphanet 84, MedGen C3150653, MONDO:0013248, OMIM 613390.

Submissions (2):

Labcorp Genetics (formerly Invitae), Labcorp
Classification: Uncertain significance for Fanconi anemia complementation group O. Last evaluated: 2021-07-27. Review status: criteria provided, single submitter. Criteria: Invitae Variant Classification Sherloc (09022015). Collection method: clinical testing. Allele origin: germline.
Comment: In summary, the available evidence is currently insufficient to determine the role of this variant in disease. Therefore, it has been classified as a Variant of Uncertain Significance. This variant disrupts the p.Arg258 amino acid residue in RAD51C. Other variant(s) that disrupt this residue have been determined to be pathogenic (PMID: 20400963, 25154786, 26740214). This suggests that this residue is clinically significant, and that variants that disrupt this residue are likely to be disease-causing. Advanced modeling of protein sequence and biophysical properties (such as structural, functional, and spatial information, amino acid conservation, physicochemical variation, residue mobility, and thermodynamic stability) performed at Invitae indicates that this missense variant is expected to disrupt RAD51C protein function. ClinVar contains an entry for this variant (Variation ID: 645806). This variant has not been reported in the literature in individuals affected with RAD51C-related conditions. This variant is not present in population databases (ExAC no frequency). This sequence change replaces arginine with proline at codon 258 of the RAD51C protein (p.Arg258Pro). The arginine residue is highly conserved and there is a moderate physicochemical difference between arginine and proline.

Ambry Genetics
Classification: Uncertain significance for Hereditary cancer-predisposing syndrome. Last evaluated: 2019-12-20. Review status: criteria provided, single submitter. Criteria: Ambry Variant Classification Scheme 2023. Collection method: clinical testing. Allele origin: germline.
Comment: The p.R258P variant (also known as c.773G>C), located in coding exon 5 of the RAD51C gene, results from a G to C substitution at nucleotide position 773. The arginine at codon 258 is replaced by proline, an amino acid with dissimilar properties. Homozygosity for another missense alteration at the same codon (p.R258H) has been described as causative of Fanconi anemia type O (FA-O) in a consanguineous Pakistani kindred (Vaz F et al. Nat Genet. 2010 May;42:406-9). This amino acid position is highly conserved in available vertebrate species. In addition, this alteration is predicted to be deleterious by in silico analysis. Since supporting evidence is limited at this time, the clinical significance of this alteration remains unclear.

Literature cited by the submitters: PubMed 20400963 (cited by Labcorp Genetics (formerly Invitae), Labcorp); PubMed 25154786 (cited by Labcorp Genetics (formerly Invitae), Labcorp); PubMed 26740214 (cited by Labcorp Genetics (formerly Invitae), Labcorp).